The following is an entry in ClinVar:

NM_004656.4(BAP1):c.2030C>T (p.Thr677Ile)

Gene: BAP1 (BRCA1 associated deubiquitinase 1; minus strand). Cytogenetic location: 3p21.1.
Variant type: single nucleotide variant.
Coding change: c.2030C>T on transcript NM_004656.4 (MANE Select); coding-DNA position 2030, C replaced by T.
Protein change: p.Thr677Ile; replaces threonine 677 with isoleucine.
Molecular consequence: missense variant.
Genome position (GRCh38, 1-based): chr3:52,402,628, G>A on the plus strand (C>T on the coding strand, the complement: BAP1 is on the minus strand). VCF-style: chr3-52402628-G-A. GRCh37 (hg19) VCF-style: chr3-52436644-G-A.
Other names: c.2030C>T (NM_004656.2); short protein forms T677I.
Identifiers: ClinVar variation 1063314 (VCV001063314.6), dbSNP rs2153226192, ClinGen allele CA353096213.
Genomic context (GRCh38, chr3:52,402,628, plus strand): 5'-GCATTCCAGTTAAGACAGCAGCGCATCCCCTCACCTTCCTGAGCCAGCATGGAGATAAAG[G>A]TGCAGATGAACTCATCGTAGTTGTGGGTCCTTCTCTGGTCATCAATCTGTAGGAGAGAAG-3'
Protein context (NP_004647.1, residues 667-687): RTHNYDEFIC[Thr677Ile]FISMLAQEGM

ClinVar aggregate classification (germline): Uncertain significance. Review status: criteria provided, multiple submitters, no conflicts (2 of 4 stars). 2 submissions from 2 submitters: Uncertain significance (2). Last evaluated 2025-09-25.

Conditions:
Hereditary cancer-predisposing syndrome. Also called: Hereditary Cancer Syndrome; Hereditary neoplastic syndrome; Neoplastic Syndromes, Hereditary; Tumor predisposition. Identifiers: Orphanet 140162, MedGen C0027672, MeSH D009386, MONDO:0015356.
BAP1-related tumor predisposition syndrome (TPDS1). Also called: BAP1 tumor predisposition syndrome; COMMON Syndrome; TUMOR PREDISPOSITION SYNDROME 1; Tumor susceptibility linked to germline BAP1 mutations. Identifiers: Orphanet 289539, MedGen C3280492, MONDO:0013692, OMIM 614327.

gnomAD v4.1: 1 of 1,614,208 alleles (0.000062%); highest among the groups gnomAD compares: Non-Finnish European, 0.000085%; no homozygotes.

Submissions (2):

Ambry Genetics
Classification: Uncertain significance for Hereditary cancer-predisposing syndrome. Last evaluated: 2025-09-25. Review status: criteria provided, single submitter. Criteria: Ambry Variant Classification Scheme 2023. Collection method: clinical testing. Allele origin: germline.

Labcorp Genetics (formerly Invitae), Labcorp
Classification: Uncertain significance for BAP1-related tumor predisposition syndrome. Last evaluated: 2022-07-19. Review status: criteria provided, single submitter. Criteria: Invitae Variant Classification Sherloc (09022015). Collection method: clinical testing. Allele origin: germline.
Comment: This sequence change replaces threonine, which is neutral and polar, with isoleucine, which is neutral and non-polar, at codon 677 of the BAP1 protein (p.Thr677Ile). This variant is not present in population databases (gnomAD no frequency). In summary, the available evidence is currently insufficient to determine the role of this variant in disease. Therefore, it has been classified as a Variant of Uncertain Significance. Algorithms developed to predict the effect of missense changes on protein structure and function are either unavailable or do not agree on the potential impact of this missense change (SIFT: "Deleterious"; PolyPhen-2: "Possibly Damaging"; Align-GVGD: "Class C0"). ClinVar contains an entry for this variant (Variation ID: 1063314). This variant has not been reported in the literature in individuals affected with BAP1-related conditions.